The following is an entry in ClinVar:

NM_001267550.2(TTN):c.78248_78249del (p.Tyr26083fs)

Genes: TTN (titin; minus strand), TTN-AS1 (TTN antisense RNA 1; plus strand). Cytogenetic location: 2q31.2.
Variant type: Deletion.
Coding change: c.78248_78249del on transcript NM_001267550.2 (MANE Select); coding-DNA positions 78248 to 78249, 2 bases deleted (AT; older notation c.78248_78249delAT).
Protein change: p.Tyr26083fs; shifts the reading frame from tyrosine 26083.
Molecular consequence: frameshift variant.
Genome position (GRCh38, 1-based): chr2:178,567,883-178,567,884, AT deleted on the plus strand (AT on the coding strand, the reverse complement: TTN is on the minus strand); deleting any 2 consecutive bases within chr2:178,567,883-178,567,885 gives the same sequence; the c. name uses the placement nearest the transcript's 3' end. VCF-style (leftmost placement, unchanged base first): chr2-178567882-CAT-C. GRCh37 (hg19) VCF-style: chr2-179432609-CAT-C.
Other names: c.73325_73326del, p.Tyr24442fs (NM_001256850.1); c.51053_51054del, p.Tyr17018fs (NM_003319.4); c.70544_70545del, p.Tyr23515fs (NM_133378.4); c.51428_51429del, p.Tyr17143fs (NM_133432.3); c.51629_51630del, p.Tyr17210fs (NM_133437.4); short protein forms Y17018fs, Y17143fs, Y17210fs, Y23515fs, Y24442fs, Y26083fs.
Identifiers: ClinVar variation 2571106 (VCV002571106.27), dbSNP rs2468340557, ClinGen allele CA2580614468.

ClinVar aggregate classification (germline): Pathogenic (1 of 4 stars; one submission).

Submission:

CeGaT Center for Human Genetics Tuebingen
Classification: Pathogenic. Last evaluated: 2023-06-01. Review status: criteria provided, single submitter. Criteria: CeGaT Center For Human Genetics Tuebingen Variant Classification Criteria Version 2. Collection method: clinical testing. Allele origin: germline. Affected: yes. Observed: 1 variant allele.
Comment: TTN: PVS1, PM2